The following is an entry in ClinVar:

NM_001854.4(COL11A1):c.2881G>A (p.Gly961Ser)

Gene: COL11A1 (collagen type XI alpha 1 chain; minus strand). Cytogenetic location: 1p21.1.
Variant type: single nucleotide variant.
Coding change: c.2881G>A on transcript NM_001854.4 (MANE Select); coding-DNA position 2881, G replaced by A.
Protein change: p.Gly961Ser; replaces glycine 961 with serine.
Molecular consequence: missense variant. On other transcripts: non-coding transcript variant (1).
Genome position (GRCh38, 1-based): chr1:102,965,522, C>T on the plus strand (G>A on the coding strand, the complement: COL11A1 is on the minus strand). VCF-style: chr1-102965522-C-T. GRCh37 (hg19) VCF-style: chr1-103431078-C-T.
Other names: c.2764G>A, p.Gly922Ser (NM_001190709.2); c.2917G>A, p.Gly973Ser (NM_080629.3); c.2533G>A, p.Gly845Ser (NM_080630.4); c.2881G>A (NM_001854.3); short protein forms G922S, G961S, G845S, G973S.
Identifiers: ClinVar variation 1472705 (VCV001472705.8), dbSNP rs975084437, ClinGen allele CA27696524.

ClinVar aggregate classification (germline): Conflicting classifications of pathogenicity. Review status: criteria provided, conflicting classifications (1 of 4 stars). 3 submissions from 3 submitters: Likely pathogenic (1); Uncertain significance (2). Last evaluated 2026-08-06.

Conditions:
Intervertebral disc disorder (IDD). Also called: Lumbar disk degenerative disorder; INTERVERTEBRAL DISC DISEASE. Identifiers: MedGen C0158252, MONDO:0044339, OMIM 603932.

Allele frequency attached by ClinVar (database versions not stated): TOPMed below 0.00001; gnomAD exomes 0.00001.
gnomAD v4.1: 8 of 1,613,528 alleles (0.0005%); highest among the groups gnomAD compares: Admixed American, 0.0017%; no homozygotes.

Submissions (3):

OLLIN Analises Genomicas, OLLIN
Classification: Uncertain significance for Intervertebral disc disorder. Last evaluated: 2026-08-06. Review status: criteria provided, single submitter. Criteria: ACMG Guidelines 2015 PMID 25741868. Collection method: clinical testing. Allele origin: germline.
Comment: This missense variant, located in exon 38 (of 67), has been reported in ClinVar (accession VCV001472705.7) and in gnomAD with an allele frequency of 0.0005%. However, to our knowledge, it has not been reported in the scientific literature. In silico analysis predicts that this variant has a deleterious effect. According to the currently available evidence, this variant has been classified as uncertain significance (PM2_P, PP3_S).

GeneDx
Classification: Likely pathogenic. Last evaluated: 2024-07-24. Review status: criteria provided, single submitter. Criteria: GeneDx Variant Classification Process June 2021. Collection method: clinical testing. Allele origin: germline. Affected: yes.
Comment: In silico analysis supports that this missense variant has a deleterious effect on protein structure/function; Not observed at significant frequency in large population cohorts (gnomAD); This variant is associated with the following publications: (PMID: 33570564, 25240749, 34498032)

Labcorp Genetics (formerly Invitae), Labcorp
Classification: Uncertain significance. Last evaluated: 2024-05-04. Review status: criteria provided, single submitter. Criteria: Invitae Variant Classification Sherloc (09022015). Collection method: clinical testing. Allele origin: germline.
Comment: This sequence change replaces glycine, which is neutral and non-polar, with serine, which is neutral and polar, at codon 961 of the COL11A1 protein (p.Gly961Ser). This variant is not present in population databases (gnomAD no frequency). This missense change has been observed in individual(s) with clinical features of COL11A1-related conditions and/or Stickler syndrome (PMID: 33570564; Invitae). ClinVar contains an entry for this variant (Variation ID: 1472705). Advanced modeling of protein sequence and biophysical properties (such as structural, functional, and spatial information, amino acid conservation, physicochemical variation, residue mobility, and thermodynamic stability) performed at Invitae indicates that this missense variant is expected to disrupt COL11A1 protein function with a positive predictive value of 80%. In summary, the available evidence is currently insufficient to determine the role of this variant in disease. Therefore, it has been classified as a Variant of Uncertain Significance.

Literature cited by the submitters: PubMed 33570564 (cited by Labcorp Genetics (formerly Invitae), Labcorp).